The following is an entry in ClinVar:

NM_023067.4(FOXL2):c.988dup (p.Ala330fs)

Gene: FOXL2 (forkhead box L2; minus strand). Cytogenetic location: 3q22.3.
Variant type: Duplication.
Coding change: c.988dup on transcript NM_023067.4 (MANE Select); coding-DNA position 988, one base duplicated (G; older notation c.988dupG).
Protein change: p.Ala330fs; shifts the reading frame from alanine 330.
Molecular consequence: frameshift variant.
Genome position (GRCh38, 1-based): chr3:138,945,735, C duplicated on the plus strand (G on the coding strand, the reverse complement: FOXL2 is on the minus strand). VCF-style (leftmost placement, unchanged base first): chr3-138945734-G-GC. GRCh37 (hg19) VCF-style: chr3-138664576-G-GC.
Other names: short protein forms A330fs.
Identifiers: ClinVar variation 503493 (VCV000503493.3), dbSNP rs1553752779, ClinGen allele CA658796385.

ClinVar aggregate classification (germline): Pathogenic (0 of 4 stars; one submission).

Conditions:
Premature ovarian failure 3 (POF3). Identifiers: MedGen C1837008, MONDO:0012169, OMIM 608996.

Submission:

Institute of Reproductive and Stem Cell Engineering, Central South University
Classification: Pathogenic for Premature ovarian failure 3. Last evaluated: 2018-01-29. Review status: no assertion criteria provided. Collection method: research, in vitro. Allele origin: germline, not applicable. Inheritance: Sporadic. Affected: yes.
Comment: The novel mutation identified in the present study will enhance the present knowledge of the mutation spectrum of FOXL2. The in vitro experiments provide further insights into the molecular mechanism by which the new variant mediate disease pathogenesis and may contribute to elucidating the genotype-phenotype correlation between the novel FOXL2 mutation and POI.

Literature cited by the submitters: PubMed 29378385.